The following is an entry in ClinVar:

NM_001256545.2(MEGF10):c.3086C>T (p.Pro1029Leu)

Gene: MEGF10 (multiple EGF like domains 10; plus strand). Cytogenetic location: 5q23.2.
Variant type: single nucleotide variant.
Coding change: c.3086C>T on transcript NM_001256545.2 (MANE Select); coding-DNA position 3086, C replaced by T.
Protein change: p.Pro1029Leu; replaces proline 1029 with leucine.
Molecular consequence: missense variant.
Genome position (GRCh38, 1-based): chr5:127,455,461, C>T. VCF-style: chr5-127455461-C-T. GRCh37 (hg19) VCF-style: chr5-126791153-C-T.
Other names: c.3086C>T, p.Pro1029Leu (NM_032446.3); short protein forms P1029L.
Identifiers: ClinVar variation 582242 (VCV000582242.8), dbSNP rs139251235, ClinGen allele CA3392133.
Genomic context (GRCh38, chr5:127,455,461, plus strand): 5'-ACCTGGGAAAGAATTCTGAATATAATTCAAGTAACTGCTCCCTAAGCAGTTCTGAGAACC[C>T]ATATGCCACTATTAAAGACCCACCTGTACTTATCCCGAAAAGCTCAGAGTGTGGTTATGT-3'
Protein context (NP_001243474.1, residues 1019-1039): SNCSLSSSEN[Pro1029Leu]YATIKDPPVL

ClinVar aggregate classification (germline): Uncertain significance. Review status: criteria provided, multiple submitters, no conflicts (2 of 4 stars). 2 submissions from 2 submitters: Uncertain significance (2). Last evaluated 2025-08-10.

Conditions:
Inborn genetic diseases. Identifiers: MedGen C0950123, MeSH D030342.
MEGF10-related myopathy (CMYO10A). Also called: Congenital myopathy 10A, severe variant. Identifiers: Orphanet 439212, MedGen C3280679, MONDO:0013731, OMIM 614399.

Allele frequency attached by ClinVar (database versions not stated): TOPMed below 0.00001; ExAC 0.00001; gnomAD 0.00001; gnomAD exomes 0.00001 and 0.00003; ESP Exome Variant Server 0.00008.
gnomAD v4.1: 49 of 1,613,966 alleles (0.003%); highest among the groups gnomAD compares: Non-Finnish European, 0.0041%; no homozygotes.

Submissions (2):

Ambry Genetics
Classification: Uncertain significance for Inborn genetic diseases. Last evaluated: 2025-08-10. Review status: criteria provided, single submitter. Criteria: Ambry Variant Classification Scheme 2023. Collection method: clinical testing. Allele origin: germline.

Labcorp Genetics (formerly Invitae), Labcorp
Classification: Uncertain significance for MEGF10-related myopathy. Last evaluated: 2022-10-05. Review status: criteria provided, single submitter. Criteria: Invitae Variant Classification Sherloc (09022015). Collection method: clinical testing. Allele origin: germline.
Comment: This sequence change replaces proline, which is neutral and non-polar, with leucine, which is neutral and non-polar, at codon 1029 of the MEGF10 protein (p.Pro1029Leu). This variant is present in population databases (rs139251235, gnomAD 0.003%). This variant has not been reported in the literature in individuals affected with MEGF10-related conditions. ClinVar contains an entry for this variant (Variation ID: 582242). Algorithms developed to predict the effect of missense changes on protein structure and function are either unavailable or do not agree on the potential impact of this missense change (SIFT: "Deleterious"; PolyPhen-2: "Probably Damaging"; Align-GVGD: "Class C0"). In summary, the available evidence is currently insufficient to determine the role of this variant in disease. Therefore, it has been classified as a Variant of Uncertain Significance.